The following is an entry in ClinVar:

NM_000365.6(TPI1):c.713A>G (p.Lys238Arg)

Gene: TPI1 (triosephosphate isomerase 1; plus strand). Cytogenetic location: 12p13.31.
Variant type: single nucleotide variant.
Coding change: c.713A>G on transcript NM_000365.6 (MANE Select); coding-DNA position 713, A replaced by G.
Protein change: p.Lys238Arg; replaces lysine 238 with arginine.
Molecular consequence: missense variant.
Genome position (GRCh38, 1-based): chr12:6,870,346, A>G. VCF-style: chr12-6870346-A-G. GRCh37 (hg19) VCF-style: chr12-6979510-A-G.
Other names: c.824A>G, p.Lys275Arg (NM_001159287.1); c.467A>G, p.Lys156Arg (NM_001258026.2); short protein forms K156R, K238R, K275R.
Identifiers: ClinVar variation 1717943 (VCV001717943.5), dbSNP rs756085366, ClinGen allele CA6419034.

ClinVar aggregate classification (germline): Uncertain significance (1 of 4 stars; one submission).

Allele frequency attached by ClinVar (database versions not stated): gnomAD exomes below 0.00001; ExAC 0.00001.

Submission:

Labcorp Genetics (formerly Invitae), Labcorp
Classification: Uncertain significance. Last evaluated: 2023-12-06. Review status: criteria provided, single submitter. Criteria: Invitae Variant Classification Sherloc (09022015). Collection method: clinical testing. Allele origin: germline.
Comment: This sequence change replaces lysine, which is basic and polar, with arginine, which is basic and polar, at codon 238 of the TPI1 protein (p.Lys238Arg). This variant is not present in population databases (gnomAD no frequency). This variant has not been reported in the literature in individuals affected with TPI1-related conditions. ClinVar contains an entry for this variant (Variation ID: 1717943). An algorithm developed to predict the effect of missense changes on protein structure and function (PolyPhen-2) suggests that this variant is likely to be tolerated. In summary, the available evidence is currently insufficient to determine the role of this variant in disease. Therefore, it has been classified as a Variant of Uncertain Significance.